The following is an entry in ClinVar:

ClinVar aggregate classification (germline): Conflicting classifications of pathogenicity. Review status: criteria provided, conflicting classifications (1 of 4 stars). 6 submissions from 6 submitters: Uncertain significance (2); Benign (1); Likely benign (2). 1 of the submissions does not count toward it. Last evaluated 2025-06-12.

Conditions:
Inborn genetic diseases. Identifiers: MedGen C0950123, MeSH D030342.
FUS-related disorder. Also called: FUS-related condition.
Amyotrophic lateral sclerosis type 6. Also called: Amyotrophic lateral sclerosis 6, with or without frontotemporal dementia; FUS-Related Amyotrophic Laterial Sclerosis; AMYOTROPHIC LATERAL SCLEROSIS 6 WITHOUT FRONTOTEMPORAL DEMENTIA. Identifiers: Orphanet 275872, Orphanet 803, MedGen C2931786, MONDO:0011951, OMIM 608030.
Tremor, hereditary essential, 4 (ETM4). Identifiers: MedGen C3539195, MONDO:0013888, OMIM 614782.

Allele frequency attached by ClinVar (database versions not stated): TOPMed 0.00004; ESP Exome Variant Server 0.00008; gnomAD exomes 0.00009; gnomAD 0.00010; ExAC 0.00028.
gnomAD v4.1: 156 of 1,607,122 alleles (0.0097%); highest among the groups gnomAD compares: Middle Eastern, 0.017%; 1 homozygote.

Submissions (6):

Labcorp Genetics (formerly Invitae), Labcorp
Classification: Benign for Tremor, hereditary essential, 4; Amyotrophic lateral sclerosis type 6. Last evaluated: 2025-06-12. Review status: criteria provided, single submitter. Criteria: Invitae Variant Classification Sherloc (09022015). Collection method: clinical testing. Allele origin: germline.

GeneDx
Classification: Uncertain significance. Last evaluated: 2025-05-01. Review status: criteria provided, single submitter. Criteria: GeneDx Variant Classification Process June 2021. Collection method: clinical testing. Allele origin: germline. Affected: yes.
Comment: Identified in a patient with apparently sporadic ALS who also harbored a variant in the SETX gene (PMID: 25382069); In silico analysis supports that this missense variant has a deleterious effect on protein structure/function; This variant is associated with the following publications: (PMID: 25382069)

CeGaT Center for Human Genetics Tuebingen
Classification: Likely benign. Last evaluated: 2024-09-01. Review status: criteria provided, single submitter. Criteria: CeGaT Center For Human Genetics Tuebingen Variant Classification Criteria Version 2. Collection method: clinical testing. Allele origin: germline. Affected: yes. Observed: 1 variant allele.
Comment: FUS: PP3, BS2

Fulgent Genetics
Classification: Uncertain significance for Amyotrophic lateral sclerosis type 6; Tremor, hereditary essential, 4. Last evaluated: 2024-06-04. Review status: criteria provided, single submitter. Criteria: ACMG Guidelines, 2015. Collection method: clinical testing. Allele origin: germline.

Ambry Genetics
Classification: Likely benign for Inborn genetic diseases. Last evaluated: 2019-11-19. Review status: criteria provided, single submitter. Criteria: Ambry Variant Classification Scheme 2023. Collection method: clinical testing. Allele origin: germline.

PreventionGenetics, part of Exact Sciences
Classification: Likely benign for FUS-related condition. Last evaluated: 2023-08-22. Review status: no assertion criteria provided. Collection method: clinical testing. Allele origin: germline. Not counted in ClinVar's aggregate classification.
Comment: This variant is classified as likely benign based on ACMG/AMP sequence variant interpretation guidelines (Richards et al. 2015 PMID: 25741868, with internal and published modifications).

Literature cited by the submitters: PubMed 25382069 (cited by Ambry Genetics).

NM_004960.4(FUS):c.1453C>T (p.Arg485Trp)

Gene: FUS (FUS DNA/RNA binding protein; plus strand). Cytogenetic location: 16p11.2.
Variant type: single nucleotide variant.
Coding change: c.1453C>T on transcript NM_004960.4 (MANE Select); coding-DNA position 1453, C replaced by T.
Protein change: p.Arg485Trp; replaces arginine 485 with tryptophan.
Molecular consequence: missense variant. On other transcripts: non-coding transcript variant (1).
Genome position (GRCh38, 1-based): chr16:31,191,022, C>T. VCF-style: chr16-31191022-C-T. GRCh37 (hg19) VCF-style: chr16-31202343-C-T.
Other names: c.1450C>T, p.Arg484Trp (NM_001170634.1); c.1441C>T, p.Arg481Trp (NM_001170937.1); short protein forms R484W, R481W, R485W.
Identifiers: ClinVar variation 1773001 (VCV001773001.25), dbSNP rs201772423, ClinGen allele CA8024064.